The following is an entry in ClinVar:

ClinVar aggregate classification (germline): Benign/Likely benign. Review status: criteria provided, multiple submitters, no conflicts (2 of 4 stars). 6 submissions from 6 submitters: Benign (5); Likely benign (1). Last evaluated 2026-02-04.

Allele frequency attached by ClinVar (database versions not stated): ESP Exome Variant Server 0.10349; gnomAD 0.12455 and 0.13058; TOPMed 0.14076; ExAC 0.14730; gnomAD exomes 0.15464; 1000 Genomes Project 30x 0.18535; 1000 Genomes Project 0.18590.
gnomAD v4.1: 186,580 of 1,611,766 alleles (12%); highest among the groups gnomAD compares: East Asian, 37%; 13,951 homozygotes.

Submissions (6):

Labcorp Genetics (formerly Invitae), Labcorp
Classification: Benign. Last evaluated: 2026-02-04. Review status: criteria provided, single submitter. Criteria: Invitae Variant Classification Sherloc (09022015). Collection method: clinical testing. Allele origin: germline.

Blueprint Genetics
Classification: Likely benign. Last evaluated: 2024-11-27. Review status: criteria provided, single submitter. Criteria: ACMG Guidelines, 2015. Collection method: clinical testing. Allele origin: germline.

Mayo Clinic Laboratories, Mayo Clinic
Classification: Benign. Last evaluated: 2022-09-29. Review status: criteria provided, single submitter. Criteria: ACMG Guidelines, 2015. Collection method: clinical testing. Allele origin: germline. Observed: 139 variant alleles.

GeneDx
Classification: Benign. Last evaluated: 2018-07-09. Review status: criteria provided, single submitter. Criteria: GeneDx Variant Classification Process June 2021. Collection method: clinical testing. Allele origin: germline. Affected: yes.

Laboratory for Molecular Medicine, Mass General Brigham Personalized Medicine
Classification: Benign. Last evaluated: 2016-03-29. Review status: criteria provided, single submitter. Criteria: LMM Criteria. Collection method: clinical testing. Allele origin: germline.
Comment: Variant identified in a genome or exome case(s) and assessed due to predicted null impact of the variant or pathogenic assertions in the literature or databases. Disclaimer: This variant has not undergone full assessment. The following are preliminary notes: Frequency

Breakthrough Genomics
Classification: Benign. Review status: criteria provided, single submitter. Criteria: ACMG Guidelines, 2015. Collection method: not provided. Allele origin: germline. Inheritance: Autosomal recessive inheritance. Affected: yes.

NM_001098671.2(RASGRP2):c.1749C>A (p.Gly583=)

Gene: RASGRP2 (RAS guanyl releasing protein 2; minus strand). Cytogenetic location: 11q13.1.
Variant type: single nucleotide variant.
Coding change: c.1749C>A on transcript NM_001098671.2 (MANE Select); coding-DNA position 1749, C replaced by A.
Protein change: p.Gly583=; no amino-acid change (glycine 583 retained).
Molecular consequence: synonymous variant.
Genome position (GRCh38, 1-based): chr11:64,728,885, G>T on the plus strand (C>A on the coding strand, the complement: RASGRP2 is on the minus strand). VCF-style: chr11-64728885-G-T. GRCh37 (hg19) VCF-style: chr11-64496357-G-T.
Other names: p.Gly583=; c.1749C>A, p.Gly583= (NM_001098670.2, NM_153819.2); c.1314C>A, p.Gly438= (NM_001318398.2).
Identifiers: ClinVar variation 403363 (VCV000403363.14), dbSNP rs2230414, ClinGen allele CA6078807.
Genomic context (GRCh38, chr11:64,728,885, plus strand): 5'-TTCCCTCCACAGGCCAGTACAGAATGACTCCCTCTTACCTGGAGGCCTGGAGCCTCGCCT[G>T]CCAGGGCGGGGCAGAGAGAAGCTGAAGGCGCGGTGATGGTGGCTGTGCATGGGTGAGGGT-3'
Protein context (NP_001092141.1, residues 573-593): RAFSFSLPRP[Gly583=]RRGSRPPEIR